The following is an entry in ClinVar:

NM_000038.6(APC):c.2971G>T (p.Glu991Ter)

Gene: APC (APC regulator of Wnt signaling pathway; plus strand). Cytogenetic location: 5q22.2.
Variant type: single nucleotide variant.
Coding change: c.2971G>T on transcript NM_000038.6 (MANE Select); coding-DNA position 2971, G replaced by T.
Protein change: p.Glu991Ter; replaces glutamic acid 991 with a stop codon.
Molecular consequence: nonsense.
Genome position (GRCh38, 1-based): chr5:112,838,565, G>T. VCF-style: chr5-112838565-G-T. GRCh37 (hg19) VCF-style: chr5-112174262-G-T.
Other names: c.2971G>T, p.Glu991Ter (NM_001127510.3, NM_001354895.2); c.2917G>T, p.Glu973Ter (NM_001127511.3); c.3025G>T, p.Glu1009Ter (NM_001354896.2); c.3001G>T, p.Glu1001Ter (NM_001354897.2); c.2896G>T, p.Glu966Ter (NM_001354898.2); c.2887G>T, p.Glu963Ter (NM_001354899.2); c.2848G>T, p.Glu950Ter (NM_001354900.2); c.2794G>T, p.Glu932Ter (NM_001354901.2); and 5 more; short protein forms E973*, E991*, E1001*, E708*, E831*, E963*, E1009*, E865*.
Identifiers: ClinVar variation 186494 (VCV000186494.6), dbSNP rs786202995, ClinGen allele CA007967.

ClinVar aggregate classification (germline): Pathogenic. Review status: criteria provided, multiple submitters, no conflicts (2 of 4 stars). 2 submissions from 2 submitters: Pathogenic (2). Last evaluated 2023-08-11.

Conditions:
Hereditary cancer-predisposing syndrome. Also called: Neoplastic Syndromes, Hereditary; Tumor predisposition; Hereditary Cancer Syndrome; Hereditary neoplastic syndrome. Identifiers: Orphanet 140162, MedGen C0027672, MeSH D009386, MONDO:0015356.
Familial adenomatous polyposis 1 (FAP1). Also called: FAMILIAL ADENOMATOUS POLYPOSIS 1, ATTENUATED; POLYPOSIS, ADENOMATOUS INTESTINAL. Identifiers: MedGen C2713442, MONDO:0021056, OMIM 175100. Disease mechanism: loss of function.

Submissions (2):

Myriad Genetics, Inc.
Classification: Pathogenic for Familial adenomatous polyposis 1. Last evaluated: 2023-08-11. Review status: criteria provided, single submitter. Criteria: Myriad Autosomal Dominant, Autosomal Recessive and X-Linked Classification Criteria (2023). Collection method: clinical testing. Allele origin: unknown.
Comment: This variant is considered pathogenic. This variant creates a termination codon and is predicted to result in premature protein truncation.

Ambry Genetics
Classification: Pathogenic for Hereditary cancer-predisposing syndrome. Last evaluated: 2022-09-30. Review status: criteria provided, single submitter. Criteria: Ambry Variant Classification Scheme 2023. Collection method: clinical testing. Allele origin: germline.
Comment: The p.E991* pathogenic mutation (also known as c.2971G>T), located in coding exon 15 of the APC gene, results from a G to T substitution at nucleotide position 2971. This changes the amino acid from a glutamic acid to a stop codon within coding exon 15. This alteration occurs at the 3' terminus of theAPC gene, is not expected to trigger nonsense-mediated mRNA decay, and only impacts the last 1854 amino acids of the protein. However, premature stop codons are typically deleterious in nature and the impacted region is critical for protein function and a significant portion of the protein is affected (Ambry internal data). This alteration has been observed in at least one individual with a personal and family history that is consistent with classic familial adenomatous polyposis syndrome (Li H et al. Exp Ther Med, 2017 Apr;13:1495-1499). This variant is considered to be rare based on population cohorts in the Genome Aggregation Database (gnomAD). Based on the supporting evidence, this alteration is interpreted as a disease-causing mutation.

Literature cited by the submitters: PubMed 28413499 (cited by Ambry Genetics).